The following is an entry in ClinVar:

ClinVar aggregate classification (germline): Uncertain significance (1 of 4 stars; one submission).

gnomAD v4.1: 8 of 1,550,476 alleles (0.00052%); highest among the groups gnomAD compares: African/African-American, 0.011%; no homozygotes.

Submission:

GeneDx
Classification: Uncertain significance. Last evaluated: 2025-07-19. Review status: criteria provided, single submitter. Criteria: GeneDx Variant Classification Process June 2021. Collection method: clinical testing. Allele origin: germline. Affected: yes.
Comment: In silico analysis suggests that this missense variant does not alter protein structure/function; Has not been previously published as pathogenic or benign to our knowledge

NM_001292063.2(OTOG):c.5944C>A (p.Leu1982Met)

Gene: OTOG (otogelin; plus strand). Cytogenetic location: 11p15.1.
Variant type: single nucleotide variant.
Coding change: c.5944C>A on transcript NM_001292063.2 (MANE Select); coding-DNA position 5944, C replaced by A.
Protein change: p.Leu1982Met; replaces leucine 1982 with methionine.
Molecular consequence: missense variant.
Genome position (GRCh38, 1-based): chr11:17,611,244, C>A. VCF-style: chr11-17611244-C-A. GRCh37 (hg19) VCF-style: chr11-17632791-C-A.
Other names: c.5980C>A, p.Leu1994Met (NM_001277269.2); short protein forms L1982M, L1994M.
Identifiers: ClinVar variation 4686807 (VCV004686807.1).